The following is an entry in ClinVar:

NM_000565.4(IL6R):c.47C>T (p.Pro16Leu)

Genes: IL6R (interleukin 6 receptor; plus strand), IL6R-AS1 (IL6R antisense RNA 1; minus strand). Cytogenetic location: 1q21.3.
Variant type: single nucleotide variant.
Coding change: c.47C>T on transcript NM_000565.4 (MANE Select); coding-DNA position 47, C replaced by T.
Protein change: p.Pro16Leu; replaces proline 16 with leucine.
Molecular consequence: missense variant.
Genome position (GRCh38, 1-based): chr1:154,405,676, C>T. VCF-style: chr1-154405676-C-T. GRCh37 (hg19) VCF-style: chr1-154378152-C-T.
Other names: c.47C>T, p.Pro16Leu (NM_001206866.2, NM_001382769.1, NM_001382770.1 and 5 more transcripts); short protein forms P16L.
Identifiers: ClinVar variation 1510441 (VCV001510441.6), dbSNP rs2149196136, ClinGen allele CA342595522.

ClinVar aggregate classification (germline): Uncertain significance (1 of 4 stars; one submission).

gnomAD v4.1: 1 of 1,529,234 alleles (0.000065%); highest among the groups gnomAD compares: Non-Finnish European, 0.000087%; no homozygotes.

Submission:

Labcorp Genetics (formerly Invitae), Labcorp
Classification: Uncertain significance. Last evaluated: 2022-07-12. Review status: criteria provided, single submitter. Criteria: Invitae Variant Classification Sherloc (09022015). Collection method: clinical testing. Allele origin: germline.
Comment: This sequence change replaces proline, which is neutral and non-polar, with leucine, which is neutral and non-polar, at codon 16 of the IL6R protein (p.Pro16Leu). This variant is not present in population databases (gnomAD no frequency). This variant has not been reported in the literature in individuals affected with IL6R-related conditions. Algorithms developed to predict the effect of missense changes on protein structure and function output the following: SIFT: "Tolerated"; PolyPhen-2: "Not Available"; Align-GVGD: "Class C0". The leucine amino acid residue is found in multiple mammalian species, which suggests that this missense change does not adversely affect protein function. In summary, the available evidence is currently insufficient to determine the role of this variant in disease. Therefore, it has been classified as a Variant of Uncertain Significance.